The following is an entry in ClinVar:

NM_000126.4(ETFA):c.664+1_664+2del

Gene: ETFA (electron transfer flavoprotein subunit alpha; minus strand). Cytogenetic location: 15q24.2.
Variant type: Deletion.
Coding change: c.664+1_664+2del on transcript NM_000126.4 (MANE Select); the canonical splice donor site of the intron after coding-DNA position 664, 2 bases deleted (GT; older notation c.664+1_664+2delGT).
Molecular consequence: splice donor variant.
Genome position (GRCh38, 1-based): chr15:76,285,635-76,285,636, AC deleted on the plus strand (GT on the coding strand, the reverse complement: ETFA is on the minus strand). VCF-style (leftmost placement, unchanged base first): chr15-76285634-TAC-T. GRCh37 (hg19) VCF-style: chr15-76577975-TAC-T.
Other names: c.517+1_517+2del (NM_001127716.2).
Identifiers: ClinVar variation 4817476 (VCV004817476.1).

ClinVar aggregate classification (germline): Likely pathogenic (1 of 4 stars; one submission).

Conditions:
Glutaric acidemia type 2A.

Submission:

Natera, Inc.
Classification: Likely pathogenic for Glutaric acidemia type 2A. Last evaluated: 2025-12-18. Review status: criteria provided, single submitter. Criteria: Natera Variant Classification Schema (03/2026). Collection method: clinical testing. Allele origin: germline.
Comment: The c.664+1_664+2del variant in ETFA is a canonical splice donor site variant predicted to affect pre-mRNA splicing, which may result in an abnormal transcript and altered protein product. This variant is expected to result in nonsense mediated decay, truncation, or a dysfunctional protein product. This variant is rare in the general population with a frequency below the threshold expected for the associated phenotype(s). Given the available evidence, this variant is classified as Likely Pathogenic.